The following is an entry in ClinVar:

ClinVar aggregate classification (germline): Conflicting classifications of pathogenicity. Review status: criteria provided, conflicting classifications (1 of 4 stars). 2 submissions from 2 submitters: Uncertain significance (1); Benign (1). Last evaluated 2026-01-07.

Conditions:
Hereditary cancer-predisposing syndrome. Also called: Tumor predisposition; Neoplastic Syndromes, Hereditary; Hereditary Cancer Syndrome; Hereditary neoplastic syndrome. Identifiers: Orphanet 140162, MedGen C0027672, MeSH D009386, MONDO:0015356.
Tuberous sclerosis 2 (TSC2). Identifiers: Orphanet 805, MedGen C1860707, MONDO:0013199, OMIM 613254.

Allele frequency attached by ClinVar (database versions not stated): gnomAD exomes below 0.00001; gnomAD 0.00001; TOPMed 0.00001.
gnomAD v4.1: 3 of 1,613,868 alleles (0.00019%); highest among the groups gnomAD compares: African/African-American, 0.004%; no homozygotes.

Submissions (2):

Labcorp Genetics (formerly Invitae), Labcorp
Classification: Benign for Tuberous sclerosis 2. Last evaluated: 2026-01-07. Review status: criteria provided, single submitter. Criteria: Invitae Variant Classification Sherloc (09022015). Collection method: clinical testing. Allele origin: germline.

Ambry Genetics
Classification: Uncertain significance for Hereditary cancer-predisposing syndrome. Last evaluated: 2025-11-10. Review status: criteria provided, single submitter. Criteria: Ambry Variant Classification Scheme 2023. Collection method: clinical testing. Allele origin: germline.
Comment: The p.C65R variant (also known as c.193T>C), located in coding exon 2 of the TSC2 gene, results from a T to C substitution at nucleotide position 193. The cysteine at codon 65 is replaced by arginine, an amino acid with highly dissimilar properties. This amino acid position is highly conserved in available vertebrate species. In addition, this alteration is predicted to be deleterious by in silico analysis. Since supporting evidence is limited at this time, the clinical significance of this alteration remains unclear.

NM_000548.5(TSC2):c.193T>C (p.Cys65Arg)

Gene: TSC2 (TSC complex subunit 2; plus strand). Cytogenetic location: 16p13.3.
Variant type: single nucleotide variant.
Coding change: c.193T>C on transcript NM_000548.5 (MANE Select); coding-DNA position 193, T replaced by C.
Protein change: p.Cys65Arg; replaces cysteine 65 with arginine.
Molecular consequence: missense variant. On other transcripts: 5 prime UTR variant (1).
Genome position (GRCh38, 1-based): chr16:2,050,454, T>C. VCF-style: chr16-2050454-T-C. GRCh37 (hg19) VCF-style: chr16-2100455-T-C.
Other names: c.193T>C, p.Cys65Arg (NM_001077183.3, NM_001114382.3, NM_001318827.2 and 4 more transcripts); c.46T>C, p.Cys16Arg (NM_001318829.2); c.-34T>C (NM_001318831.2); c.226T>C, p.Cys76Arg (NM_001318832.2); short protein forms C65R, C16R, C76R.
Identifiers: ClinVar variation 406100 (VCV000406100.14), dbSNP rs1060500965, ClinGen allele CA16614896.